The following is an entry in ClinVar:

NM_152703.5(SAMD9L):c.1226T>C (p.Leu409Pro)

Gene: SAMD9L (sterile alpha motif domain containing 9 like; minus strand). Cytogenetic location: 7q21.2.
Variant type: single nucleotide variant.
Coding change: c.1226T>C on transcript NM_152703.5 (MANE Select); coding-DNA position 1226, T replaced by C.
Protein change: p.Leu409Pro; replaces leucine 409 with proline.
Molecular consequence: missense variant.
Genome position (GRCh38, 1-based): chr7:93,134,746, A>G on the plus strand (T>C on the coding strand, the complement: SAMD9L is on the minus strand). VCF-style: chr7-93134746-A-G. GRCh37 (hg19) VCF-style: chr7-92764059-A-G.
Other names: c.1226T>C (NM_152703.2); c.1226T>C, p.Leu409Pro (NM_001303496.3, NM_001303497.3, NM_001303498.3 and 5 more transcripts); short protein forms L409P.
Identifiers: ClinVar variation 3367676 (VCV003367676.4).

ClinVar aggregate classification (germline): Uncertain significance. Review status: criteria provided, multiple submitters, no conflicts (2 of 4 stars). 3 submissions from 3 submitters: Uncertain significance (3). Last evaluated 2025-01-10.

Conditions:
Inborn genetic diseases. Identifiers: MedGen C0950123, MeSH D030342.

Submissions (3):

Ambry Genetics
Classification: Uncertain significance for Inborn genetic diseases. Last evaluated: 2025-01-10. Review status: criteria provided, single submitter. Criteria: Ambry Variant Classification Scheme 2023. Collection method: clinical testing. Allele origin: germline.
Comment: The p.L409P variant (also known as c.1226T>C), located in coding exon 1 of the SAMD9L gene, results from a T to C substitution at nucleotide position 1226. The leucine at codon 409 is replaced by proline, an amino acid with similar properties. This amino acid position is conserved. In addition, the in silico prediction for this alteration is inconclusive. Based on the available evidence, the clinical significance of this variant remains unclear.

Labcorp Genetics (formerly Invitae), Labcorp
Classification: Uncertain significance. Last evaluated: 2024-06-09. Review status: criteria provided, single submitter. Criteria: Invitae Variant Classification Sherloc (09022015). Collection method: clinical testing. Allele origin: germline.
Comment: This sequence change replaces leucine, which is neutral and non-polar, with proline, which is neutral and non-polar, at codon 409 of the SAMD9L protein (p.Leu409Pro). This variant is not present in population databases (gnomAD no frequency). This variant has not been reported in the literature in individuals affected with SAMD9L-related conditions. Advanced modeling of protein sequence and biophysical properties (such as structural, functional, and spatial information, amino acid conservation, physicochemical variation, residue mobility, and thermodynamic stability) performed at Invitae indicates that this missense variant is expected to disrupt SAMD9L protein function with a positive predictive value of 80%. In summary, the available evidence is currently insufficient to determine the role of this variant in disease. Therefore, it has been classified as a Variant of Uncertain Significance.

GeneDx
Classification: Uncertain significance. Last evaluated: 2024-01-09. Review status: criteria provided, single submitter. Criteria: GeneDx Variant Classification Process June 2021. Collection method: clinical testing. Allele origin: germline. Affected: yes.
Comment: Not observed at significant frequency in large population cohorts (gnomAD); In silico analysis supports that this missense variant has a deleterious effect on protein structure/function; Has not been previously published as pathogenic or benign to our knowledge